The following is an entry in ClinVar:

ClinVar aggregate classification (germline): Likely benign (1 of 4 stars; one submission).

Allele frequency attached by ClinVar (database versions not stated): gnomAD exomes 0.00001; gnomAD 0.00011; TOPMed 0.00012; 1000 Genomes Project 30x 0.00016.
gnomAD v4.1: 36 of 1,549,612 alleles (0.0023%); highest among the groups gnomAD compares: African/African-American, 0.037%; 1 homozygote.

Submission:

CeGaT Center for Human Genetics Tuebingen
Classification: Likely benign. Last evaluated: 2022-09-01. Review status: criteria provided, single submitter. Criteria: CeGaT Center For Human Genetics Tuebingen Variant Classification Criteria Version 2. Collection method: clinical testing. Allele origin: germline. Affected: yes. Observed: 1 variant allele.
Comment: RPTOR: BP4, BP7

NM_020761.3(RPTOR):c.3618G>A (p.Thr1206=)

Gene: RPTOR (regulatory associated protein of MTOR complex 1; plus strand). Cytogenetic location: 17q25.3.
Variant type: single nucleotide variant.
Coding change: c.3618G>A on transcript NM_020761.3 (MANE Select); coding-DNA position 3618, G replaced by A.
Protein change: p.Thr1206=; no amino-acid change (threonine 1206 retained).
Molecular consequence: synonymous variant.
Genome position (GRCh38, 1-based): chr17:80,961,406, G>A. VCF-style: chr17-80961406-G-A. GRCh37 (hg19) VCF-style: chr17-78935206-G-A.
Other names: c.3144G>A, p.Thr1048= (NM_001163034.2).
Identifiers: ClinVar variation 2648432 (VCV002648432.24), dbSNP rs753958351, ClinGen allele CA8825709.